The following is an entry in ClinVar:

NM_004064.5(CDKN1B):c.165G>A (p.Ala55=)

Gene: CDKN1B (cyclin dependent kinase inhibitor 1B; plus strand). Cytogenetic location: 12p13.1.
Variant type: single nucleotide variant.
Coding change: c.165G>A on transcript NM_004064.5 (MANE Select); coding-DNA position 165, G replaced by A.
Protein change: p.Ala55=; no amino-acid change (alanine 55 retained).
Molecular consequence: synonymous variant.
Genome position (GRCh38, 1-based): chr12:12,718,004, G>A. VCF-style: chr12-12718004-G-A. GRCh37 (hg19) VCF-style: chr12-12870938-G-A.
Identifiers: ClinVar variation 239617 (VCV000239617.29), dbSNP rs16908375, ClinGen allele CA6457400.

ClinVar aggregate classification (germline): Benign. Review status: criteria provided, multiple submitters, no conflicts (2 of 4 stars). 10 submissions from 10 submitters: Benign (10). Last evaluated 2026-02-04.

Conditions:
Hereditary cancer-predisposing syndrome. Also called: Neoplastic Syndromes, Hereditary; Tumor predisposition; Hereditary neoplastic syndrome; Hereditary Cancer Syndrome. Identifiers: Orphanet 140162, MedGen C0027672, MeSH D009386, MONDO:0015356.
Multiple endocrine neoplasia, type 1 (MEN1). Also called: MEN I; WERMER SYNDROME; Endocrine adenomatosis multiple; MEN 1; MEA I. Identifiers: Orphanet 652, MedGen C0025267, MeSH D018761, MONDO:0007540, OMIM 131100.
Multiple endocrine neoplasia type 4. Also called: MULTIPLE ENDOCRINE NEOPLASIA, TYPE IV. Identifiers: Orphanet 276152, MedGen C1970712, MONDO:0012552, OMIM 610755.

Allele frequency attached by ClinVar (database versions not stated): gnomAD 0.00068 and 0.00141; TOPMed 0.00150; gnomAD exomes 0.00307; ExAC 0.00313; 1000 Genomes Project 30x 0.00656; 1000 Genomes Project 0.00659.
gnomAD v4.1: 2,709 of 1,614,226 alleles (0.17%); highest among the groups gnomAD compares: East Asian, 4%; 50 homozygotes.

Submissions (10):

Labcorp Genetics (formerly Invitae), Labcorp
Classification: Benign for Multiple endocrine neoplasia type 4. Last evaluated: 2026-02-04. Review status: criteria provided, single submitter. Criteria: Invitae Variant Classification Sherloc (09022015). Collection method: clinical testing. Allele origin: germline.

Quest Diagnostics Nichols Institute San Juan Capistrano
Classification: Benign. Last evaluated: 2025-10-14. Review status: criteria provided, single submitter. Criteria: Quest Diagnostics criteria. Collection method: clinical testing. Allele origin: unknown.

Center for Genomic Medicine, Rigshospitalet, Copenhagen University Hospital
Classification: Benign. Last evaluated: 2025-03-04. Review status: criteria provided, single submitter. Criteria: ACMG Guidelines, 2015. Collection method: clinical testing. Allele origin: germline.

KCCC/NGS Laboratory, Kuwait Cancer Control Center
Classification: Benign for Multiple endocrine neoplasia type 4. Last evaluated: 2023-07-07. Review status: criteria provided, single submitter. Criteria: ACMG Guidelines, 2015. Collection method: clinical testing. Allele origin: germline. Affected: yes.

Department of Pathology and Laboratory Medicine, Sinai Health System
Classification: Benign for Multiple endocrine neoplasia, type 1. Last evaluated: 2022-07-12. Review status: criteria provided, single submitter. Criteria: ACMG Guidelines, 2015. Collection method: clinical testing. Allele origin: germline. Affected: yes.

ARUP Laboratories, Molecular Genetics and Genomics, ARUP Laboratories
Classification: Benign for Multiple endocrine neoplasia type 4. Last evaluated: 2022-06-22. Review status: criteria provided, single submitter. Criteria: ARUP Molecular Germline Variant Investigation Process 2021. Collection method: clinical testing. Allele origin: germline.

Illumina Laboratory Services, Illumina
Classification: Benign for Multiple endocrine neoplasia type 4. Last evaluated: 2018-01-13. Review status: criteria provided, single submitter. Criteria: ICSL Variant Classification Criteria 13 December 2019. Collection method: clinical testing. Allele origin: germline.
Comment: This variant was observed in the ICSL laboratory as part of a predisposition screen in an ostensibly healthy population. It had not been previously curated by ICSL or reported in the Human Gene Mutation Database (HGMD: prior to June 1st, 2018), and was therefore a candidate for classification through an automated scoring system. Utilizing variant allele frequency, disease prevalence and penetrance estimates, and inheritance mode, an automated score was calculated to assess if this variant is too frequent to cause the disease. Based on the score and internal cut-off values, a variant classified as benign is not then subjected to further curation. The score for this variant resulted in a classification of benign for this disease.

Ambry Genetics
Classification: Benign for Hereditary cancer-predisposing syndrome. Last evaluated: 2017-01-04. Review status: criteria provided, single submitter. Criteria: Ambry Variant Classification Scheme 2023. Collection method: clinical testing. Allele origin: germline.

Breakthrough Genomics
Classification: Benign. Review status: criteria provided, single submitter. Criteria: ACMG Guidelines, 2015. Collection method: not provided. Allele origin: germline. Inheritance: Autosomal dominant inheritance. Affected: yes.

PreventionGenetics, part of Exact Sciences
Classification: Benign. Review status: criteria provided, single submitter. Criteria: ACMG Guidelines, 2015. Collection method: clinical testing. Allele origin: germline.

Literature cited by the submitters: PubMed 20615757 (cited by Quest Diagnostics Nichols Institute San Juan Capistrano).